The following is an entry in ClinVar:

NM_000489.6(ATRX):c.1432G>A (p.Val478Ile)

Gene: ATRX (ATRX chromatin remodeler; minus strand). Cytogenetic location: Xq21.1.
Variant type: single nucleotide variant.
Coding change: c.1432G>A on transcript NM_000489.6 (MANE Select); coding-DNA position 1432, G replaced by A.
Protein change: p.Val478Ile; replaces valine 478 with isoleucine.
Molecular consequence: missense variant.
Genome position (GRCh38, 1-based): chrX:77,683,824, C>T on the plus strand (G>A on the coding strand, the complement: ATRX is on the minus strand). VCF-style: chrX-77683824-C-T. GRCh37 (hg19) VCF-style: chrX-76939316-C-T.
Other names: c.1318G>A, p.Val440Ile (NM_138270.5); short protein forms V440I, V478I.
Identifiers: ClinVar variation 2395751 (VCV002395751.5), dbSNP rs1603224795, ClinGen allele CA413718090.
Genomic context (GRCh38, chrX:77,683,824, plus strand): 5'-TATCAGATTTCTTATGTTCACCACCGGTACTTTTATTTGTTCTTTGTTCCTCTGTTGGAA[C>T]ATTCTGATGCATGTGCTCACTATCTACCTGTTTTCTTGAAAGTTTAGCTTCTGACTTTGA-3'
Protein context (NP_000480.3, residues 468-488): QVDSEHMHQN[Val478Ile]PTEEQRTNKS

ClinVar aggregate classification (germline): Uncertain significance. Review status: criteria provided, multiple submitters, no conflicts (2 of 4 stars). 2 submissions from 2 submitters: Uncertain significance (2). Last evaluated 2024-01-25.

Conditions:
Inborn genetic diseases. Identifiers: MedGen C0950123, MeSH D030342.
Alpha thalassemia-X-linked intellectual disability syndrome (ATRX). Also called: ALPHA-THALASSEMIA/MENTAL RETARDATION SYNDROME, X-LINKED; ATR, NONDELETION TYPE; ATR-X syndrome; Alpha thalassemia mental retardation syndrome, nondeletion type, X-linked; XLMR hypotonic face syndrome; X-linked alpha-thalassemia-mental retardation syndrome. Identifiers: Orphanet 847, MedGen C1845055, MONDO:0010519, OMIM 301040.

Submissions (2):

Labcorp Genetics (formerly Invitae), Labcorp
Classification: Uncertain significance for Alpha thalassemia-X-linked intellectual disability syndrome. Last evaluated: 2024-01-25. Review status: criteria provided, single submitter. Criteria: Invitae Variant Classification Sherloc (09022015). Collection method: clinical testing. Allele origin: germline.
Comment: This sequence change replaces valine, which is neutral and non-polar, with isoleucine, which is neutral and non-polar, at codon 478 of the ATRX protein (p.Val478Ile). This variant is not present in population databases (gnomAD no frequency). This variant has not been reported in the literature in individuals affected with ATRX-related conditions. ClinVar contains an entry for this variant (Variation ID: 2395751). Advanced modeling of protein sequence and biophysical properties (such as structural, functional, and spatial information, amino acid conservation, physicochemical variation, residue mobility, and thermodynamic stability) performed at Invitae indicates that this missense variant is not expected to disrupt ATRX protein function with a negative predictive value of 95%. In summary, the available evidence is currently insufficient to determine the role of this variant in disease. Therefore, it has been classified as a Variant of Uncertain Significance.

Ambry Genetics
Classification: Uncertain significance for Inborn genetic diseases. Last evaluated: 2021-08-10. Review status: criteria provided, single submitter. Criteria: Ambry Variant Classification Scheme 2023. Collection method: clinical testing. Allele origin: germline.